The following is an entry in ClinVar:

ClinVar aggregate classification (germline): Likely benign. Review status: criteria provided, single submitter (1 of 4 stars). 2 submissions from 2 submitters: Likely benign (1). 1 of the submissions does not count toward it. Last evaluated 2025-03-31.

Conditions:
DYRK1B-related disorder. Also called: DYRK1B-related condition.

Allele frequency attached by ClinVar (database versions not stated): TOPMed below 0.00001; gnomAD 0.00001; gnomAD exomes 0.00002.
gnomAD v4.1: 33 of 1,538,676 alleles (0.0021%); highest among the groups gnomAD compares: Non-Finnish European, 0.0027%; no homozygotes.

Submissions (2):

Labcorp Genetics (formerly Invitae), Labcorp
Classification: Likely benign. Last evaluated: 2025-03-31. Review status: criteria provided, single submitter. Criteria: Invitae Variant Classification Sherloc (09022015). Collection method: clinical testing. Allele origin: germline.

PreventionGenetics, part of Exact Sciences
Classification: Likely benign for DYRK1B-related condition. Last evaluated: 2022-05-23. Review status: no assertion criteria provided. Collection method: clinical testing. Allele origin: germline. Not counted in ClinVar's aggregate classification.
Comment: This variant is classified as likely benign based on ACMG/AMP sequence variant interpretation guidelines (Richards et al. 2015 PMID: 25741868, with internal and published modifications).

NM_004714.3(DYRK1B):c.27C>T (p.Pro9=)

Gene: DYRK1B (dual specificity tyrosine phosphorylation regulated kinase 1B; minus strand). Cytogenetic location: 19q13.2.
Variant type: single nucleotide variant.
Coding change: c.27C>T on transcript NM_004714.3 (MANE Select); coding-DNA position 27, C replaced by T.
Protein change: p.Pro9=; no amino-acid change (proline 9 retained).
Molecular consequence: synonymous variant.
Genome position (GRCh38, 1-based): chr19:39,831,841, G>A on the plus strand (C>T on the coding strand, the complement: DYRK1B is on the minus strand). VCF-style: chr19-39831841-G-A. GRCh37 (hg19) VCF-style: chr19-40322481-G-A.
Other names: c.27C>T, p.Pro9= (NM_006483.3, NM_006484.3).
Identifiers: ClinVar variation 3036521 (VCV003036521.3), dbSNP rs1272223595, ClinGen allele CA507447761.